The following is an entry in ClinVar:

ClinVar aggregate classification (germline): Uncertain significance. Review status: criteria provided, multiple submitters, no conflicts (2 of 4 stars). 2 submissions from 2 submitters: Uncertain significance (2). Last evaluated 2022-12-03.

Conditions:
Fanconi anemia complementation group J. Also called: BRIP1-Related Fanconi Anemia. Identifiers: Orphanet 84, MedGen C1836860, MONDO:0012187, OMIM 609054.
Familial cancer of breast. Also called: BREAST CANCER, FAMILIAL; Hereditary breast cancer; hereditary breast carcinoma. Identifiers: Orphanet 227535, MedGen C0346153, MONDO:0016419, OMIM 114480. Disease mechanism: loss of function.
Hereditary cancer-predisposing syndrome. Also called: Neoplastic Syndromes, Hereditary; Tumor predisposition; Hereditary Cancer Syndrome; Hereditary neoplastic syndrome. Identifiers: Orphanet 140162, MedGen C0027672, MeSH D009386, MONDO:0015356.

Allele frequency attached by ClinVar (database versions not stated): gnomAD exomes below 0.00001.
gnomAD v4.1: 4 of 1,613,424 alleles (0.00025%); highest among the groups gnomAD compares: African/African-American, 0.0013%; no homozygotes.

Submissions (2):

Labcorp Genetics (formerly Invitae), Labcorp
Classification: Uncertain significance for Familial cancer of breast; Fanconi anemia complementation group J. Last evaluated: 2022-12-03. Review status: criteria provided, single submitter. Criteria: Invitae Variant Classification Sherloc (09022015). Collection method: clinical testing. Allele origin: germline.
Comment: In summary, the available evidence is currently insufficient to determine the role of this variant in disease. Therefore, it has been classified as a Variant of Uncertain Significance. Advanced modeling of protein sequence and biophysical properties (such as structural, functional, and spatial information, amino acid conservation, physicochemical variation, residue mobility, and thermodynamic stability) performed at Invitae indicates that this missense variant is expected to disrupt BRIP1 protein function. This variant has not been reported in the literature in individuals affected with BRIP1-related conditions. This variant is not present in population databases (gnomAD no frequency). This sequence change replaces proline, which is neutral and non-polar, with alanine, which is neutral and non-polar, at codon 18 of the BRIP1 protein (p.Pro18Ala).

Ambry Genetics
Classification: Uncertain significance for Hereditary cancer-predisposing syndrome. Last evaluated: 2021-06-27. Review status: criteria provided, single submitter. Criteria: Ambry Variant Classification Scheme 2023. Collection method: clinical testing. Allele origin: germline.
Comment: The p.P18A variant (also known as c.52C>G), located in coding exon 1 of the BRIP1 gene, results from a C to G substitution at nucleotide position 52. The proline at codon 18 is replaced by alanine, an amino acid with highly similar properties. This amino acid position is conserved. In addition, this alteration is predicted to be deleterious by in silico analysis. Since supporting evidence is limited at this time, the clinical significance of this alteration remains unclear.

NM_032043.3(BRIP1):c.52C>G (p.Pro18Ala)

Gene: BRIP1 (BRCA1 interacting DNA helicase 1; minus strand). Cytogenetic location: 17q23.2.
Variant type: single nucleotide variant.
Coding change: c.52C>G on transcript NM_032043.3 (MANE Select); coding-DNA position 52, C replaced by G.
Protein change: p.Pro18Ala; replaces proline 18 with alanine.
Molecular consequence: missense variant.
Genome position (GRCh38, 1-based): chr17:61,861,488, G>C on the plus strand (C>G on the coding strand, the complement: BRIP1 is on the minus strand). VCF-style: chr17-61861488-G-C. GRCh37 (hg19) VCF-style: chr17-59938849-G-C.
Other names: short protein forms P18A.
Identifiers: ClinVar variation 1746690 (VCV001746690.5), dbSNP rs1555618724, ClinGen allele CA400485987.